The following is an entry in ClinVar:

ClinVar aggregate classification (germline): Conflicting classifications of pathogenicity. Review status: criteria provided, conflicting classifications (1 of 4 stars). 2 submissions from 2 submitters: Uncertain significance (1); Likely benign (1). Last evaluated 2026-01-14.

Conditions:
Familial focal epilepsy with variable foci (FPEVF). Identifiers: Orphanet 98820, MedGen C1858477, MONDO:0020310.
Inborn genetic diseases. Identifiers: MedGen C0950123, MeSH D030342.

Allele frequency attached by ClinVar (database versions not stated): gnomAD 0.00003 and 0.00004; gnomAD exomes 0.00005 and 0.00009; ExAC 0.00006; TOPMed 0.00006; 1000 Genomes Project 30x 0.00016; 1000 Genomes Project 0.00020.

Submissions (2):

Labcorp Genetics (formerly Invitae), Labcorp
Classification: Uncertain significance for Familial focal epilepsy with variable foci. Last evaluated: 2026-01-14. Review status: criteria provided, single submitter. Criteria: Invitae Variant Classification Sherloc (09022015). Collection method: clinical testing. Allele origin: germline.
Comment: This sequence change replaces asparagine, which is neutral and polar, with serine, which is neutral and polar, at codon 315 of the DEPDC5 protein (p.Asn315Ser). This variant is present in population databases (rs555944888, gnomAD 0.05%). This missense change has been observed in individual(s) with DEPDC5-related conditions (PMID: 34587683). ClinVar contains an entry for this variant (Variation ID: 590193). Experimental studies and prediction algorithms are not available or were not evaluated, and the functional significance of this variant is currently unknown. In summary, the available evidence is currently insufficient to determine the role of this variant in disease. Therefore, it has been classified as a Variant of Uncertain Significance.

Ambry Genetics
Classification: Likely benign for Inborn genetic diseases. Last evaluated: 2022-02-04. Review status: criteria provided, single submitter. Criteria: Ambry Variant Classification Scheme 2023. Collection method: clinical testing. Allele origin: germline.

Literature cited by the submitters: PubMed 34587683 (cited by Labcorp Genetics (formerly Invitae), Labcorp).

NM_001242896.3(DEPDC5):c.944A>G (p.Asn315Ser)

Gene: DEPDC5 (DEP domain containing 5, GATOR1 subcomplex subunit; plus strand). Cytogenetic location: 22q12.2.
Variant type: single nucleotide variant.
Coding change: c.944A>G on transcript NM_001242896.3 (MANE Select); coding-DNA position 944, A replaced by G.
Protein change: p.Asn315Ser; replaces asparagine 315 with serine.
Molecular consequence: missense variant. On other transcripts: non-coding transcript variant (5).
Genome position (GRCh38, 1-based): chr22:31,798,654, A>G. VCF-style: chr22-31798654-A-G. GRCh37 (hg19) VCF-style: chr22-32194640-A-G.
Other names: c.944A>G, p.Asn315Ser (NM_001007188.4, NM_001136029.4, NM_001242897.2 and 7 more transcripts); c.860A>G, p.Asn287Ser (NM_001369901.1, NM_001369902.1); short protein forms N315S, N287S.
Identifiers: ClinVar variation 590193 (VCV000590193.13), dbSNP rs555944888, ClinGen allele CA10196161.
Genomic context (GRCh38, chr22:31,798,654, plus strand): 5'-AAGGAGATAATTCTACCTCAGCACAAGGAAACTACCTGGAGGCCATCAATCTGTCATTCA[A>G]TGGTGAGTAAGGATGCCGGCCATGAGCCAGCATCTTGCCTACCACATGGCTATGTTACCG-3'
Protein context (NP_001229825.1, residues 305-325): NYLEAINLSF[Asn315Ser]VFDKHYINRN